The following is an entry in ClinVar:

NM_006445.4(PRPF8):c.435-6T>G

Gene: PRPF8 (pre-mRNA processing factor 8; minus strand). Cytogenetic location: 17p13.3.
Variant type: single nucleotide variant.
Coding change: c.435-6T>G on transcript NM_006445.4 (MANE Select); 6 bases into the intron before coding-DNA position 435, T replaced by G.
Molecular consequence: intron variant.
Genome position (GRCh38, 1-based): chr17:1,682,044, A>C on the plus strand (T>G on the coding strand, the complement: PRPF8 is on the minus strand). VCF-style: chr17-1682044-A-C. GRCh37 (hg19) VCF-style: chr17-1585338-A-C.
Identifiers: ClinVar variation 321919 (VCV000321919.25), dbSNP rs75026252, ClinGen allele CA8272610.

ClinVar aggregate classification (germline): Benign. Review status: criteria provided, multiple submitters, no conflicts (2 of 4 stars). 4 submissions from 4 submitters: Benign (4). Last evaluated 2026-01-25.

Conditions:
Retinitis pigmentosa 13 (RP13). Also called: PRPF 8-Related Retinitis Pigmentosa. Identifiers: Orphanet 791, MedGen C1838702, MONDO:0010806, OMIM 600059.
Retinitis pigmentosa (RP). Identifiers: Orphanet 791, MedGen C0035334, MeSH D012174, MONDO:0019200, OMIM 268000. Inheritance: Autosomal dominant, autosomal recessive and X linked inheritance.

Allele frequency attached by ClinVar (database versions not stated): gnomAD exomes 0.00262; ExAC 0.00320; 1000 Genomes Project 0.00799; 1000 Genomes Project 30x 0.00890; TOPMed 0.01164; ESP Exome Variant Server 0.01199.
gnomAD v4.1: 3,038 of 1,613,920 alleles (0.19%); highest among the groups gnomAD compares: African/African-American, 3.6%; 50 homozygotes.

Submissions (5):

Labcorp Genetics (formerly Invitae), Labcorp
Classification: Benign. Last evaluated: 2026-01-25. Review status: criteria provided, single submitter. Criteria: Invitae Variant Classification Sherloc (09022015). Collection method: clinical testing. Allele origin: germline.

ARUP Laboratories, Molecular Genetics and Genomics, ARUP Laboratories
Classification: Benign for Retinitis pigmentosa 13. Last evaluated: 2023-09-21. Review status: criteria provided, single submitter. Criteria: ARUP Molecular Germline Variant Investigation Process 2024. Collection method: clinical testing. Allele origin: germline.

Illumina Laboratory Services, Illumina
Classification: Benign for Retinitis pigmentosa. Last evaluated: 2018-01-12. Review status: criteria provided, single submitter. Criteria: ICSL Variant Classification Criteria 13 December 2019. Collection method: clinical testing. Allele origin: germline.
Comment: This variant was observed in the ICSL laboratory as part of a predisposition screen in an ostensibly healthy population. It had not been previously curated by ICSL or reported in the Human Gene Mutation Database (HGMD: prior to June 1st, 2018), and was therefore a candidate for classification through an automated scoring system. Utilizing variant allele frequency, disease prevalence and penetrance estimates, and inheritance mode, an automated score was calculated to assess if this variant is too frequent to cause the disease. Based on the score and internal cut-off values, a variant classified as benign is not then subjected to further curation. The score for this variant resulted in a classification of benign for this disease.

Breakthrough Genomics
Classification: Benign. Review status: criteria provided, single submitter. Criteria: ACMG Guidelines, 2015. Collection method: not provided. Allele origin: germline. Inheritance: Autosomal dominant inheritance. Affected: yes.

Dr. Peter K. Rogan Lab, Western University
No classification provided (evidence only). Condition: Acute myeloid leukemia. Review status: no classification provided. Collection method: in vitro. Allele origin: not applicable. Functional consequence: retained intron. Not counted in ClinVar's aggregate classification.